The following is an entry in ClinVar:

NM_001270508.2(TNFAIP3):c.1703C>T (p.Ser568Leu)

Gene: TNFAIP3 (TNF alpha induced protein 3; plus strand). Cytogenetic location: 6q23.3.
Variant type: single nucleotide variant.
Coding change: c.1703C>T on transcript NM_001270508.2 (MANE Select); coding-DNA position 1703, C replaced by T.
Protein change: p.Ser568Leu; replaces serine 568 with leucine.
Molecular consequence: missense variant.
Genome position (GRCh38, 1-based): chr6:137,879,148, C>T. VCF-style: chr6-137879148-C-T. GRCh37 (hg19) VCF-style: chr6-138200285-C-T.
Other names: c.1703C>T (NM_006290.2); c.1703C>T, p.Ser568Leu (NM_001270507.2, NM_006290.4); short protein forms S568L.
Identifiers: ClinVar variation 1433957 (VCV001433957.8), dbSNP rs374368025, ClinGen allele CA4019682.

ClinVar aggregate classification (germline): Uncertain significance. Review status: criteria provided, multiple submitters, no conflicts (2 of 4 stars). 2 submissions from 2 submitters: Uncertain significance (2). Last evaluated 2025-10-01.

Conditions:
Inborn genetic diseases. Identifiers: MedGen C0950123, MeSH D030342.

Allele frequency attached by ClinVar (database versions not stated): gnomAD 0.00019 and 0.00022; TOPMed 0.00027; gnomAD exomes 0.00002; ExAC 0.00004; ESP Exome Variant Server 0.00015.
gnomAD v4.1: 66 of 1,614,014 alleles (0.0041%); highest among the groups gnomAD compares: African/African-American, 0.071%; no homozygotes.

Submissions (2):

Labcorp Genetics (formerly Invitae), Labcorp
Classification: Uncertain significance. Last evaluated: 2025-10-01. Review status: criteria provided, single submitter. Criteria: Invitae Variant Classification Sherloc (09022015). Collection method: clinical testing. Allele origin: germline.
Comment: This sequence change replaces serine, which is neutral and polar, with leucine, which is neutral and non-polar, at codon 568 of the TNFAIP3 protein (p.Ser568Leu). This variant is present in population databases (rs374368025, gnomAD 0.05%). This variant has not been reported in the literature in individuals affected with TNFAIP3-related conditions. ClinVar contains an entry for this variant (Variation ID: 1433957). Invitae Evidence Modeling of protein sequence and biophysical properties (such as structural, functional, and spatial information, amino acid conservation, physicochemical variation, residue mobility, and thermodynamic stability) indicates that this missense variant is not expected to disrupt TNFAIP3 protein function with a negative predictive value of 80%. In summary, the available evidence is currently insufficient to determine the role of this variant in disease. Therefore, it has been classified as a Variant of Uncertain Significance.

Ambry Genetics
Classification: Uncertain significance for Inborn genetic diseases. Last evaluated: 2021-10-12. Review status: criteria provided, single submitter. Criteria: Ambry Variant Classification Scheme 2023. Collection method: clinical testing. Allele origin: germline.